The following is an entry in ClinVar:

NM_002804.5(PSMC3):c.1040G>A (p.Arg347His)

Gene: PSMC3 (proteasome 26S subunit, ATPase 3; minus strand). Cytogenetic location: 11p11.2.
Variant type: single nucleotide variant.
Coding change: c.1040G>A on transcript NM_002804.5 (MANE Select); coding-DNA position 1040, G replaced by A.
Protein change: p.Arg347His; replaces arginine 347 with histidine.
Molecular consequence: missense variant.
Genome position (GRCh38, 1-based): chr11:47,420,351, C>T on the plus strand (G>A on the coding strand, the complement: PSMC3 is on the minus strand). VCF-style: chr11-47420351-C-T. GRCh37 (hg19) VCF-style: chr11-47441902-C-T.
Other names: short protein forms R347H.
Identifiers: ClinVar variation 2504767 (VCV002504767.2), dbSNP rs2496050187, ClinGen allele CA380317676.

ClinVar aggregate classification (germline): Uncertain significance (1 of 4 stars; one submission).

Submission:

GeneDx
Classification: Uncertain significance. Last evaluated: 2026-03-14. Review status: criteria provided, single submitter. Criteria: GeneDx Variant Classification Process June 2021. Collection method: clinical testing. Allele origin: germline.
Comment: Not observed at significant frequency in large population cohorts (gnomAD); In silico analysis supports that this missense variant has a deleterious effect on protein structure/function; Has not been previously published as pathogenic or benign to our knowledge